The following is an entry in ClinVar:

NM_000059.4(BRCA2):c.6045G>C (p.Leu2015Phe)

Gene: BRCA2 (BRCA2 DNA repair associated; plus strand). Cytogenetic location: 13q13.1.
Variant type: single nucleotide variant.
Coding change: c.6045G>C on transcript NM_000059.4 (MANE Select); coding-DNA position 6045, G replaced by C.
Protein change: p.Leu2015Phe; replaces leucine 2015 with phenylalanine.
Molecular consequence: missense variant.
Genome position (GRCh38, 1-based): chr13:32,340,400, G>C. VCF-style: chr13-32340400-G-C. GRCh37 (hg19) VCF-style: chr13-32914537-G-C.
Other names: c.6045G>C, p.Leu2015Phe (NM_001406719.1, NM_001406720.1); short protein forms L2015F.
Identifiers: ClinVar variation 1751249 (VCV001751249.6), dbSNP rs1593907348, ClinGen allele CA387787846.

ClinVar aggregate classification (germline): Conflicting classifications of pathogenicity. Review status: criteria provided, conflicting classifications (1 of 4 stars). 3 submissions from 3 submitters: Uncertain significance (2); Likely benign (1). Last evaluated 2024-08-29.

Conditions:
Hereditary cancer-predisposing syndrome. Also called: Hereditary Cancer Syndrome; Hereditary neoplastic syndrome; Neoplastic Syndromes, Hereditary; Tumor predisposition. Identifiers: Orphanet 140162, MedGen C0027672, MeSH D009386, MONDO:0015356.
Hereditary breast ovarian cancer syndrome. Also called: Hereditary breast and ovarian cancer; BRCA1- and BRCA2-Associated Hereditary Breast and Ovarian Cancer; Hereditary breast and ovarian cancer syndrome (HBOC); Hereditary breast and ovarian cancer syndrome; Breast and ovarian cancer; Hereditary breast and/or ovarian cancer syndrome. Identifiers: Orphanet 145, MedGen C0677776, MeSH D061325, MONDO:0003582. Disease mechanism: loss of function.

Allele frequency attached by ClinVar (database versions not stated): gnomAD exomes below 0.00001.
gnomAD v4.1: 1 of 1,613,682 alleles (0.000062%); highest among the groups gnomAD compares: Non-Finnish European, 0.000085%; no homozygotes.

Submissions (3):

Labcorp Genetics (formerly Invitae), Labcorp
Classification: Uncertain significance for Hereditary breast ovarian cancer syndrome. Last evaluated: 2024-08-29. Review status: criteria provided, single submitter. Criteria: Invitae Variant Classification Sherloc (09022015). Collection method: clinical testing. Allele origin: germline.
Comment: This sequence change replaces leucine, which is neutral and non-polar, with phenylalanine, which is neutral and non-polar, at codon 2015 of the BRCA2 protein (p.Leu2015Phe). This variant is not present in population databases (gnomAD no frequency). This variant has not been reported in the literature in individuals affected with BRCA2-related conditions. ClinVar contains an entry for this variant (Variation ID: 1751249). Invitae Evidence Modeling of protein sequence and biophysical properties (such as structural, functional, and spatial information, amino acid conservation, physicochemical variation, residue mobility, and thermodynamic stability) indicates that this missense variant is not expected to disrupt BRCA2 protein function with a negative predictive value of 95%. In summary, the available evidence is currently insufficient to determine the role of this variant in disease. Therefore, it has been classified as a Variant of Uncertain Significance.

University of Washington Department of Laboratory Medicine, University of Washington
Classification: Likely benign for Hereditary cancer-predisposing syndrome. Last evaluated: 2023-03-23. Review status: criteria provided, single submitter. Criteria: Dines et al. (Genet Med. 2020). Collection method: curation. Allele origin: germline.
Comment: Missense variant in a coldspot region where missense variants are very unlikely to be pathogenic (PMID:31911673).

BRCA2 exon 11 coldspot. Reclassification based on statistical prior probability.

Ambry Genetics
Classification: Uncertain significance for Hereditary cancer-predisposing syndrome. Last evaluated: 2021-04-20. Review status: criteria provided, single submitter. Criteria: Ambry Variant Classification Scheme 2023. Collection method: clinical testing. Allele origin: germline.
Comment: The p.L2015F variant (also known as c.6045G>C), located in coding exon 10 of the BRCA2 gene, results from a G to C substitution at nucleotide position 6045. The leucine at codon 2015 is replaced by phenylalanine, an amino acid with highly similar properties. This amino acid position is poorly conserved in available vertebrate species. In addition, this alteration is predicted to be tolerated by in silico analysis. Since supporting evidence is limited at this time, the clinical significance of this alteration remains unclear.